The following is an entry in ClinVar:

ClinVar aggregate classification (germline): Benign. Review status: criteria provided, multiple submitters, no conflicts (2 of 4 stars). 2 submissions from 2 submitters: Benign (2). Last evaluated 2017-04-27.

Conditions:
Bartsocas-Papas syndrome 1. Also called: MULTIPLE PTERYGIUM SYNDROME, ASLAN TYPE; Bartsocas-Papas syndrome; PTERYGIUM, POPLITEAL, LETHAL TYPE. Identifiers: Orphanet 1234, MedGen C1849718, MONDO:0009901, OMIM 263650.

Allele frequency attached by ClinVar (database versions not stated): 1000 Genomes Project 0.00120; 1000 Genomes Project 30x 0.00203; gnomAD 0.00375 and 0.00390; TOPMed 0.00394.

Submissions (2):

Illumina Laboratory Services, Illumina
Classification: Benign for Bartsocas-Papas syndrome 1. Last evaluated: 2017-04-27. Review status: criteria provided, single submitter. Criteria: ICSL Variant Classification Criteria 13 December 2019. Collection method: clinical testing. Allele origin: germline.
Comment: This variant was observed as part of a predisposition screen in an ostensibly healthy population. A literature search was performed for the gene, cDNA change, and amino acid change (where applicable). No publications were found based on this search. Allele frequency data from public databases was too high to be consistent with this variant causing disease. Therefore, this variant is classified as benign.

Breakthrough Genomics
Classification: Benign. Review status: criteria provided, single submitter. Criteria: ACMG Guidelines, 2015. Collection method: not provided. Allele origin: germline. Inheritance: Autosomal recessive inheritance. Affected: yes.

NM_020639.3(RIPK4):c.*747T>A

Gene: RIPK4 (receptor interacting serine/threonine kinase 4; minus strand). Cytogenetic location: 21q22.3.
Variant type: single nucleotide variant.
Coding change: c.*747T>A on transcript NM_020639.3 (MANE Select); 747 bases downstream of the stop codon, T replaced by A.
Molecular consequence: 3 prime UTR variant.
Genome position (GRCh38, 1-based): chr21:41,740,091, A>T on the plus strand (T>A on the coding strand, the complement: RIPK4 is on the minus strand). VCF-style: chr21-41740091-A-T. GRCh37 (hg19) VCF-style: chr21-43160251-A-T.
Identifiers: ClinVar variation 896622 (VCV000896622.5), dbSNP rs188837957, ClinGen allele CA321452677.